The following is an entry in ClinVar:

NM_001961.4(EEF2):c.1714-208C>T

Gene: EEF2 (eukaryotic translation elongation factor 2; minus strand). Cytogenetic location: 19p13.3.
Variant type: single nucleotide variant.
Coding change: c.1714-208C>T on transcript NM_001961.4 (MANE Select); 208 bases into the intron before coding-DNA position 1714, C replaced by T.
Molecular consequence: intron variant.
Genome position (GRCh38, 1-based): chr19:3,978,380, G>A on the plus strand (C>T on the coding strand, the complement: EEF2 is on the minus strand). VCF-style: chr19-3978380-G-A. GRCh37 (hg19) VCF-style: chr19-3978378-G-A.
Identifiers: ClinVar variation 1706105 (VCV001706105.2), dbSNP rs115339638, ClinGen allele CA304442248.
Genomic context (GRCh38, chr19:3,978,380, plus strand): 5'-AGTGCCAAGCGCATCTCACTCCAGACAAGGACAAGGAGCAGGGGCTCCACTGAGCTCTCC[G>A]GCGCAGAAACCACGGGCTTGTGGAATTTTAAGCATTAACAGGGAAGAAACGAGGTCTGGA-3'

ClinVar aggregate classification (germline): Likely benign (1 of 4 stars; one submission).

Allele frequency attached by ClinVar (database versions not stated): gnomAD 0.00760; TOPMed 0.00855; 1000 Genomes Project 0.00919; 1000 Genomes Project 30x 0.01046.
gnomAD v4.1: 1,147 of 152,276 alleles (0.75%); highest among the groups gnomAD compares: African/African-American, 2.6%; 20 homozygotes.

Submission:

GeneDx
Classification: Likely benign. Last evaluated: 2021-12-20. Review status: criteria provided, single submitter. Criteria: GeneDx Variant Classification Process June 2021. Collection method: clinical testing. Allele origin: germline. Affected: yes.
Comment: See Variant Classification Assertion Criteria.